The following is an entry in ClinVar:

NM_000045.4(ARG1):c.371A>G (p.Asp124Gly)

Genes: ARG1 (arginase 1; plus strand), MED23 (mediator complex subunit 23; minus strand). Cytogenetic location: 6q23.2.
Variant type: single nucleotide variant.
Coding change: c.371A>G on transcript NM_000045.4 (MANE Select); coding-DNA position 371, A replaced by G.
Protein change: p.Asp124Gly; replaces aspartic acid 124 with glycine.
Molecular consequence: missense variant. On other transcripts: non-coding transcript variant (1), intron variant (3).
Genome position (GRCh38, 1-based): chr6:131,581,284, A>G. VCF-style: chr6-131581284-A-G. GRCh37 (hg19) VCF-style: chr6-131902424-A-G.
Other names: c.395A>G, p.Asp132Gly (NM_001244438.2); c.306-1776A>G (NM_001369020.1); c.4077+6425T>C (NM_001270521.2); c.4095+6425T>C (NM_015979.4); short protein forms D124G, D132G.
Identifiers: ClinVar variation 1973646 (VCV001973646.5), dbSNP rs1773910389, ClinGen allele CA365651025.

ClinVar aggregate classification (germline): Pathogenic (1 of 4 stars; one submission).

Conditions:
Arginase deficiency. Also called: ARGININEMIA; ARG1 DEFICIENCY; Arginase 1 Deficiency. Identifiers: Orphanet 90, MedGen C0268548, MONDO:0008814, OMIM 207800.

Allele frequency attached by ClinVar (database versions not stated): gnomAD 0.00001; TOPMed 0.00001.
gnomAD v4.1: 1 of 1,613,818 alleles (0.000062%); highest among the groups gnomAD compares: Non-Finnish European, 0.000085%; no homozygotes.

Submission:

Labcorp Genetics (formerly Invitae), Labcorp
Classification: Pathogenic for Arginase deficiency. Last evaluated: 2022-11-29. Review status: criteria provided, single submitter. Criteria: Invitae Variant Classification Sherloc (09022015). Collection method: clinical testing. Allele origin: germline.
Comment: This sequence change replaces aspartic acid, which is acidic and polar, with glycine, which is neutral and non-polar, at codon 124 of the ARG1 protein (p.Asp124Gly). For these reasons, this variant has been classified as Pathogenic. This variant disrupts the p.Asp124 amino acid residue in ARG1. Other variant(s) that disrupt this residue have been determined to be pathogenic (Invitae). This suggests that this residue is clinically significant, and that variants that disrupt this residue are likely to be disease-causing. Advanced modeling of protein sequence and biophysical properties (such as structural, functional, and spatial information, amino acid conservation, physicochemical variation, residue mobility, and thermodynamic stability) performed at Invitae indicates that this missense variant is expected to disrupt ARG1 protein function. This missense change has been observed in individual(s) with arginase deficiency (external communication). This variant is not present in population databases (gnomAD no frequency).